The following is an entry in ClinVar:

ClinVar aggregate classification (germline): Uncertain significance (1 of 4 stars; one submission).

Conditions:
Dyskeratosis congenita. Identifiers: Orphanet 1775, MedGen C0265965, MONDO:0015780.

Submission:

Labcorp Genetics (formerly Invitae), Labcorp
Classification: Uncertain significance for Dyskeratosis congenita. Last evaluated: 2024-09-18. Review status: criteria provided, single submitter. Criteria: Invitae Variant Classification Sherloc (09022015). Collection method: clinical testing. Allele origin: germline.
Comment: This sequence change replaces serine, which is neutral and polar, with cysteine, which is neutral and slightly polar, at codon 1200 of the CTC1 protein (p.Ser1200Cys). This variant is not present in population databases (gnomAD no frequency). This variant has not been reported in the literature in individuals affected with CTC1-related conditions. An algorithm developed to predict the effect of missense changes on protein structure and function (PolyPhen-2) suggests that this variant is likely to be disruptive. In summary, the available evidence is currently insufficient to determine the role of this variant in disease. Therefore, it has been classified as a Variant of Uncertain Significance.

NM_025099.6(CTC1):c.3599C>G (p.Ser1200Cys)

Gene: CTC1 (CST telomere replication complex component 1; minus strand). Cytogenetic location: 17p13.1.
Variant type: single nucleotide variant.
Coding change: c.3599C>G on transcript NM_025099.6 (MANE Select); coding-DNA position 3599, C replaced by G.
Protein change: p.Ser1200Cys; replaces serine 1200 with cysteine.
Molecular consequence: missense variant. On other transcripts: non-coding transcript variant (1).
Genome position (GRCh38, 1-based): chr17:8,228,235, G>C on the plus strand (C>G on the coding strand, the complement: CTC1 is on the minus strand). VCF-style: chr17-8228235-G-C. GRCh37 (hg19) VCF-style: chr17-8131553-G-C.
Other names: c.3368C>G, p.Ser1123Cys (NM_001411067.1); short protein forms S1123C, S1200C.
Identifiers: ClinVar variation 3657565 (VCV003657565.2).